The following is an entry in ClinVar:

NM_017849.4(TMEM127):c.451T>C (p.Ser151Pro)

Gene: TMEM127 (transmembrane protein 127; minus strand). Cytogenetic location: 2q11.2.
Variant type: single nucleotide variant.
Coding change: c.451T>C on transcript NM_017849.4 (MANE Select); coding-DNA position 451, T replaced by C.
Protein change: p.Ser151Pro; replaces serine 151 with proline.
Molecular consequence: missense variant.
Genome position (GRCh38, 1-based): chr2:96,254,074, A>G on the plus strand (T>C on the coding strand, the complement: TMEM127 is on the minus strand). VCF-style: chr2-96254074-A-G. GRCh37 (hg19) VCF-style: chr2-96919812-A-G.
Other names: c.451T>C, p.Ser151Pro (NM_001193304.3); short protein forms S151P.
Identifiers: ClinVar variation 857430 (VCV000857430.13), dbSNP rs964860224, ClinGen allele CA52412161.
Genomic context (GRCh38, chr2:96,254,074, plus strand): 5'-CATAGACCTGGGATCCATGGTACTTCTTATGCTGCTGCTGCTGGGCCAAGATGAGTTCAG[A>G]AGCCCAATAAGAAAAGCCAATGACGGTGGCACACTGCAGAACTAGGAGACAGAGGGACAG-3'
Protein context (NP_060319.1, residues 141-161): ATVIGFSYWA[Ser151Pro]ELILAQQQQH

ClinVar aggregate classification (germline): Uncertain significance. Review status: criteria provided, multiple submitters, no conflicts (2 of 4 stars). 2 submissions from 2 submitters: Uncertain significance (2). Last evaluated 2026-01-31.

Conditions:
Hereditary pheochromocytoma and paraganglioma. Also called: Hereditary pheochromocytoma-paraganglioma; Hereditary paragangliomas and pheochromocytomas; Hereditary Paraganglioma-Pheochromocytoma Syndromes. Identifiers: Orphanet 29072, MedGen C4274332, MONDO:0017366.
Hereditary cancer-predisposing syndrome. Also called: Hereditary Cancer Syndrome; Tumor predisposition; Neoplastic Syndromes, Hereditary; Hereditary neoplastic syndrome. Identifiers: Orphanet 140162, MedGen C0027672, MeSH D009386, MONDO:0015356.

Allele frequency attached by ClinVar (database versions not stated): gnomAD 0.00001; TOPMed 0.00001.
gnomAD v4.1: 5 of 1,614,022 alleles (0.00031%); highest among the groups gnomAD compares: Non-Finnish European, 0.000085%; no homozygotes.

Submissions (2):

Labcorp Genetics (formerly Invitae), Labcorp
Classification: Uncertain significance for Hereditary pheochromocytoma and paraganglioma. Last evaluated: 2026-01-31. Review status: criteria provided, single submitter. Criteria: Invitae Variant Classification Sherloc (09022015). Collection method: clinical testing. Allele origin: germline.
Comment: This sequence change replaces serine, which is neutral and polar, with proline, which is neutral and non-polar, at codon 151 of the TMEM127 protein (p.Ser151Pro). This variant is not present in population databases (gnomAD no frequency). This variant has not been reported in the literature in individuals affected with TMEM127-related conditions. ClinVar contains an entry for this variant (Variation ID: 857430). An algorithm developed to predict the effect of missense changes on protein structure and function (PolyPhen-2) suggests that this variant is likely to be disruptive. In summary, the available evidence is currently insufficient to determine the role of this variant in disease. Therefore, it has been classified as a Variant of Uncertain Significance.

Ambry Genetics
Classification: Uncertain significance for Hereditary cancer-predisposing syndrome. Last evaluated: 2024-08-11. Review status: criteria provided, single submitter. Criteria: Ambry Variant Classification Scheme 2023. Collection method: clinical testing. Allele origin: germline.
Comment: The p.S151P variant (also known as c.451T>C), located in coding exon 3 of the TMEM127 gene, results from a T to C substitution at nucleotide position 451. The serine at codon 151 is replaced by proline, an amino acid with similar properties. This amino acid position is highly conserved in available vertebrate species. In addition, this alteration is predicted to be deleterious by in silico analysis. Since supporting evidence is limited at this time, the clinical significance of this alteration remains unclear.